The following is an entry in ClinVar:

NM_138420.4(AHNAK2):c.5421T>G (p.Gly1807=)

Gene: AHNAK2 (AHNAK nucleoprotein 2; minus strand). Cytogenetic location: 14q32.33.
Variant type: single nucleotide variant.
Coding change: c.5421T>G on transcript NM_138420.4 (MANE Select); coding-DNA position 5421, T replaced by G.
Protein change: p.Gly1807=; no amino-acid change (glycine 1807 retained).
Molecular consequence: synonymous variant.
Genome position (GRCh38, 1-based): chr14:104,950,030, A>C on the plus strand (T>G on the coding strand, the complement: AHNAK2 is on the minus strand). VCF-style: chr14-104950030-A-C. GRCh37 (hg19) VCF-style: chr14-105416367-A-C.
Other names: c.5121T>G, p.Gly1707= (NM_001350929.2).
Identifiers: ClinVar variation 2672574 (VCV002672574.23), dbSNP rs34605366, ClinGen allele CA7381766.

ClinVar aggregate classification (germline): Benign (1 of 4 stars; one submission).

Allele frequency attached by ClinVar (database versions not stated): gnomAD 0.00388; 1000 Genomes Project 30x 0.00640; 1000 Genomes Project 0.00899.
gnomAD v4.1: 2,676 of 1,552,166 alleles (0.17%); highest among the groups gnomAD compares: African/African-American, 1.2%; 402 homozygotes.

Submission:

CeGaT Center for Human Genetics Tuebingen
Classification: Benign. Last evaluated: 2023-11-01. Review status: criteria provided, single submitter. Criteria: CeGaT Center For Human Genetics Tuebingen Variant Classification Criteria Version 2. Collection method: clinical testing. Allele origin: germline. Affected: yes. Observed: 1 variant allele.
Comment: AHNAK2: BP4, BP7, BS1, BS2